The following is an entry in ClinVar:

ClinVar aggregate classification (germline): Benign (1 of 4 stars; one submission).

Conditions:
Nephrotic syndrome, type 3 (NPHS3). Also called: NEPHROTIC SYNDROME, EARLY-ONSET, TYPE 3. Identifiers: Orphanet 656, MedGen C1853124, MONDO:0012546, OMIM 610725.

Allele frequency attached by ClinVar (database versions not stated): gnomAD 0.02838 and 0.03061; TOPMed 0.03127; 1000 Genomes Project 0.03155; 1000 Genomes Project 30x 0.03217.
gnomAD v4.1: 4,254 of 151,680 alleles (2.8%); highest among the groups gnomAD compares: African/African-American, 9.8%; 174 homozygotes.

Submission:

Illumina Laboratory Services, Illumina
Classification: Benign for Nephrotic syndrome, type 3. Last evaluated: 2018-01-13. Review status: criteria provided, single submitter. Criteria: ICSL Variant Classification Criteria 13 December 2019. Collection method: clinical testing. Allele origin: germline.
Comment: This variant was observed in the ICSL laboratory as part of a predisposition screen in an ostensibly healthy population. It had not been previously curated by ICSL or reported in the Human Gene Mutation Database (HGMD: prior to June 1st, 2018), and was therefore a candidate for classification through an automated scoring system. Utilizing variant allele frequency, disease prevalence and penetrance estimates, and inheritance mode, an automated score was calculated to assess if this variant is too frequent to cause the disease. Based on the score and internal cut-off values, a variant classified as benign is not then subjected to further curation. The score for this variant resulted in a classification of benign for this disease.

NM_016341.4(PLCE1):c.-525T>C

Gene: PLCE1 (phospholipase C epsilon 1; plus strand). Cytogenetic location: 10q23.33.
Variant type: single nucleotide variant.
Coding change: c.-525T>C on transcript NM_016341.4 (MANE Select); 525 bases upstream of the start codon, T replaced by C.
Molecular consequence: 5 prime UTR variant.
Genome position (GRCh38, 1-based): chr10:93,994,098, T>C. VCF-style: chr10-93994098-T-C. GRCh37 (hg19) VCF-style: chr10-95753855-T-C.
Other names: c.-525T>C (NM_001288989.2).
Identifiers: ClinVar variation 301668 (VCV000301668.5), dbSNP rs75639609, ClinGen allele CA10629501.